The following is an entry in ClinVar:

NM_000535.7(PMS2):c.2533C>T (p.His845Tyr)

Gene: PMS2 (PMS1 homolog 2, mismatch repair system component; minus strand). Cytogenetic location: 7p22.1.
Variant type: single nucleotide variant.
Coding change: c.2533C>T on transcript NM_000535.7 (MANE Select); coding-DNA position 2533, C replaced by T.
Protein change: p.His845Tyr; replaces histidine 845 with tyrosine.
Molecular consequence: missense variant. On other transcripts: non-coding transcript variant (1).
Genome position (GRCh38, 1-based): chr7:5,973,455, G>A on the plus strand (C>T on the coding strand, the complement: PMS2 is on the minus strand). VCF-style: chr7-5973455-G-A. GRCh37 (hg19) VCF-style: chr7-6013086-G-A.
Other names: c.2128C>T, p.His710Tyr (NM_001018040.1, NM_001322003.2, NM_001322004.2 and 12 more transcripts); c.2377C>T, p.His793Tyr (NM_001322006.2); c.2215C>T, p.His739Tyr (NM_001322007.2, NM_001322008.2, NM_001406883.1); c.2161C>T, p.His721Tyr (NM_001322009.2, NM_001406887.1, NM_001406888.1); c.1972C>T, p.His658Tyr (NM_001322010.2, NM_001406906.1, NM_001406907.1); c.1600C>T, p.His534Tyr (NM_001322011.2, NM_001322012.2); c.1960C>T, p.His654Tyr (NM_001322013.2, NM_001406908.1, NM_001406909.1); c.2566C>T, p.His856Tyr (NM_001322014.2); and 20 more; short protein forms H444Y, H687Y, H750Y, H856Y, H588Y, H690Y, H710Y, H721Y.
Identifiers: ClinVar variation 2774118 (VCV002774118.3), dbSNP rs1781489538, ClinGen allele CA366734850.

ClinVar aggregate classification (germline): Conflicting classifications of pathogenicity. Review status: criteria provided, conflicting classifications (1 of 4 stars). 2 submissions from 2 submitters: Likely pathogenic (1); Uncertain significance (1). Last evaluated 2025-12-31.

Conditions:
Lynch syndrome 4 (LYNCH4). Also called: Colorectal cancer, hereditary nonpolyposis, type 4; Hereditary non-polyposis colorectal cancer, type 4. Identifiers: Orphanet 144, MedGen C1838333, MONDO:0013699, OMIM 614337. Disease mechanism: loss of function.
Hereditary cancer-predisposing syndrome. Also called: Hereditary neoplastic syndrome; Hereditary Cancer Syndrome; Neoplastic Syndromes, Hereditary; Tumor predisposition. Identifiers: Orphanet 140162, MedGen C0027672, MeSH D009386, MONDO:0015356.

Submissions (2):

Myriad Genetics, Inc.
Classification: Likely pathogenic for Lynch syndrome 4. Last evaluated: 2025-12-31. Review status: criteria provided, single submitter. Criteria: Myriad Autosomal Dominant, Autosomal Recessive and X-Linked Classification Criteria (2023). Collection method: clinical testing. Allele origin: unknown.
Comment: This variant is considered likely pathogenic. This variant has shown to segregate with cancer in one or more families [Myriad internal data]. This variant is expected to disrupt protein structure [Myriad internal data]. Functional studies indicate this variant impacts protein function [PMID: 35451539, 18619468].

Color Diagnostics, LLC DBA Color Health
Classification: Uncertain significance for Hereditary cancer-predisposing syndrome. Last evaluated: 2023-06-20. Review status: criteria provided, single submitter. Criteria: ACMG Guidelines, 2015. Collection method: clinical testing. Allele origin: germline.
Comment: This missense variant replaces histidine with tyrosine at codon 845 of the PMS2 protein. Computational prediction suggests that this variant may have deleterious impact on protein structure and function (internally defined REVEL score threshold >= 0.7, PMID: 27666373). To our knowledge, functional studies have not been reported for this variant. This variant has not been reported in individuals affected with PMS2-related disorders in the literature. This variant has not been identified in the general population by the Genome Aggregation Database (gnomAD). The available evidence is insufficient to determine the role of this variant in disease conclusively. Therefore, this variant is classified as a Variant of Uncertain Significance.

Literature cited by the submitters: PubMed 35451539 (cited by Myriad Genetics, Inc.); PubMed 18619468 (cited by Myriad Genetics, Inc.).